The following is an entry in ClinVar:

NM_001378615.1(CC2D2A):c.3595-1G>T

Genes: CC2D2A (coiled-coil and C2 domain containing 2A; plus strand), FBXL5 (F-box and leucine rich repeat protein 5; minus strand). Cytogenetic location: 4p15.32.
Variant type: single nucleotide variant.
Coding change: c.3595-1G>T on transcript NM_001378615.1 (MANE Select); the canonical splice acceptor site of the intron before coding-DNA position 3595, G replaced by T.
Molecular consequence: splice acceptor variant.
Genome position (GRCh38, 1-based): chr4:15,574,149, G>T. VCF-style: chr4-15574149-G-T. GRCh37 (hg19) VCF-style: chr4-15575772-G-T.
Other names: c.3595-1G>T (NM_001080522.2); c.3448-1G>T (NM_001378617.1).
Identifiers: ClinVar variation 2944920 (VCV002944920.3), dbSNP rs2475092769, ClinGen allele CA356423577.

ClinVar aggregate classification (germline): Likely pathogenic (1 of 4 stars; one submission).

Conditions:
Joubert syndrome. Also called: JOUBERT-BOLTSHAUSER SYNDROME; Familial aplasia of the vermis. Identifiers: Orphanet 475, MedGen C5979921, MONDO:0018772.
Meckel-Gruber syndrome. Also called: DYSENCEPHALIA SPLANCHNOCYSTICA; GRUBER SYNDROME; Dysencephalia splachnocystica. Identifiers: Orphanet 564, MedGen C0265215, MONDO:0018921.

Submission:

Labcorp Genetics (formerly Invitae), Labcorp
Classification: Likely pathogenic for Joubert syndrome; Meckel-Gruber syndrome. Last evaluated: 2023-03-03. Review status: criteria provided, single submitter. Criteria: Invitae Variant Classification Sherloc (09022015). Collection method: clinical testing. Allele origin: germline.
Comment: In summary, the currently available evidence indicates that the variant is pathogenic, but additional data are needed to prove that conclusively. Therefore, this variant has been classified as Likely Pathogenic. Algorithms developed to predict the effect of sequence changes on RNA splicing suggest that this variant may disrupt the consensus splice site. This variant has not been reported in the literature in individuals affected with CC2D2A-related conditions. This variant is not present in population databases (gnomAD no frequency). This sequence change affects an acceptor splice site in intron 29 of the CC2D2A gene. It is expected to disrupt RNA splicing. Variants that disrupt the donor or acceptor splice site typically lead to a loss of protein function (PMID: 16199547), and loss-of-function variants in CC2D2A are known to be pathogenic (PMID: 19777577).

Literature cited by the submitters: PubMed 16199547; PubMed 19777577.